The following is an entry in ClinVar:

ClinVar aggregate classification (germline): Uncertain significance. Review status: criteria provided, multiple submitters, no conflicts (2 of 4 stars). 2 submissions from 2 submitters: Uncertain significance (2). Last evaluated 2020-03-02.

Conditions:
Cardiovascular phenotype. Identifiers: MedGen CN230736.

Allele frequency attached by ClinVar (database versions not stated): gnomAD exomes below 0.00001 and 0.00001; ExAC 0.00001; gnomAD 0.00001; TOPMed 0.00002.
gnomAD v4.1: 7 of 1,614,038 alleles (0.00043%); highest among the groups gnomAD compares: Non-Finnish European, 0.00059%; no homozygotes.

Submissions (2):

Ambry Genetics
Classification: Uncertain significance for Cardiovascular phenotype. Last evaluated: 2020-03-02. Review status: criteria provided, single submitter. Criteria: Ambry Variant Classification Scheme 2023. Collection method: clinical testing. Allele origin: germline.
Comment: The p.E1887K variant (also known as c.5659G>A), located in coding exon 26 of the TTN gene, results from a G to A substitution at nucleotide position 5659. The glutamic acid at codon 1887 is replaced by lysine, an amino acid with similar properties. This amino acid position is highly conserved in available vertebrate species. In addition, the in silico prediction for this alteration is inconclusive. Since supporting evidence is limited at this time, the clinical significance of this alteration remains unclear.

GeneDx
Classification: Uncertain significance. Last evaluated: 2013-06-12. Review status: criteria provided, single submitter. Criteria: GeneDx Variant Classification (06012015). Collection method: clinical testing. Allele origin: germline. Affected: yes.
Comment: Missense variants in the TTN gene are considered 'unclassified' if they are not previously reported in the literature and do not have >1% frequency in the population to be considered a polymorphism. Research indicates that truncating mutations in the TTN gene are expected to account for approximately 25% of familial and 18% of sporadic idiopathic DCM; however, truncating variants in the TTN gene have been reported in approximately 3% of reported control alleles. There has been little investigation into non-truncating variants. (Herman D et al. Truncations of titin causing dilated cardiomyopathy. N Eng J Med 366:619-628, 2012) The variant is found in DCM panel(s).

NM_001267550.2(TTN):c.5797G>A (p.Glu1933Lys)

Gene: TTN (titin; minus strand). Cytogenetic location: 2q31.2.
Variant type: single nucleotide variant.
Coding change: c.5797G>A on transcript NM_001267550.2 (MANE Select); coding-DNA position 5797, G replaced by A.
Protein change: p.Glu1933Lys; replaces glutamic acid 1933 with lysine.
Molecular consequence: missense variant.
Genome position (GRCh38, 1-based): chr2:178,776,067, C>T on the plus strand (G>A on the coding strand, the complement: TTN is on the minus strand). VCF-style: chr2-178776067-C-T. GRCh37 (hg19) VCF-style: chr2-179640794-C-T.
Other names: p.E1933K:GAA>AAA; c.5797G>A, p.Glu1933Lys (NM_001256850.1, NM_133378.4, NM_133379.5); c.5659G>A, p.Glu1887Lys (NM_003319.4, NM_133432.3, NM_133437.4); short protein forms E1933K, E1887K.
Identifiers: ClinVar variation 203139 (VCV000203139.4), dbSNP rs769734824, ClinGen allele CA311399.